The following is an entry in ClinVar:

NM_005922.4(MAP3K4):c.3198T>C (p.Tyr1066=)

Gene: MAP3K4 (mitogen-activated protein kinase kinase kinase 4; plus strand). Cytogenetic location: 6q26.
Variant type: single nucleotide variant.
Coding change: c.3198T>C on transcript NM_005922.4 (MANE Select); coding-DNA position 3198, T replaced by C.
Protein change: p.Tyr1066=; no amino-acid change (tyrosine 1066 retained).
Molecular consequence: synonymous variant. On other transcripts: non-coding transcript variant (1).
Genome position (GRCh38, 1-based): chr6:161,092,072, T>C. VCF-style: chr6-161092072-T-C. GRCh37 (hg19) VCF-style: chr6-161513104-T-C.
Other names: c.1557T>C, p.Tyr519= (NM_001291958.2); c.3198T>C, p.Tyr1066= (NM_001301072.2, NM_001363582.2, NM_006724.4).
Identifiers: ClinVar variation 2657120 (VCV002657120.24), dbSNP rs752647835, ClinGen allele CA4088852.
Genomic context (GRCh38, chr6:161,092,072, plus strand): 5'-TCATAAAGAAGTTGTTCGTTTGATGTCTGGGGAGTTTAGACAGAAGATAGGAGACAAATA[T>C]ATAAGCTTTGCCCGGAAGTGGATGAATTATGTCCTGACTAAATGTGAGAGTGGTAGAGGT-3'
Protein context (NP_005913.3, residues 1056-1076): GEFRQKIGDK[Tyr1066=]ISFARKWMNY

ClinVar aggregate classification (germline): Likely benign (1 of 4 stars; one submission).

Allele frequency attached by ClinVar (database versions not stated): ExAC 0.00001; gnomAD exomes 0.00001.
gnomAD v4.1: 6 of 1,613,776 alleles (0.00037%); highest among the groups gnomAD compares: Admixed American, 0.0017%; no homozygotes.

Submission:

CeGaT Center for Human Genetics Tuebingen
Classification: Likely benign. Last evaluated: 2022-09-01. Review status: criteria provided, single submitter. Criteria: CeGaT Center For Human Genetics Tuebingen Variant Classification Criteria Version 2. Collection method: clinical testing. Allele origin: germline. Affected: yes. Observed: 1 variant allele.
Comment: MAP3K4: BP4, BP7